The following is an entry in ClinVar:

NM_020795.4(NLGN2):c.1934C>T (p.Pro645Leu)

Gene: NLGN2 (neuroligin 2; plus strand). Cytogenetic location: 17p13.1.
Variant type: single nucleotide variant.
Coding change: c.1934C>T on transcript NM_020795.4 (MANE Select); coding-DNA position 1934, C replaced by T.
Protein change: p.Pro645Leu; replaces proline 645 with leucine.
Molecular consequence: missense variant.
Genome position (GRCh38, 1-based): chr17:7,417,225, C>T. VCF-style: chr17-7417225-C-T. GRCh37 (hg19) VCF-style: chr17-7320544-C-T.
Other names: c.1934C>T (NM_020795.2); short protein forms P645L.
Identifiers: ClinVar variation 2711881 (VCV002711881.4), dbSNP rs778180842, ClinGen allele CA8346175.

ClinVar aggregate classification (germline): Uncertain significance. Review status: criteria provided, multiple submitters, no conflicts (2 of 4 stars). 2 submissions from 2 submitters: Uncertain significance (2). Last evaluated 2025-02-12.

Allele frequency attached by ClinVar (database versions not stated): gnomAD exomes 0.00004; ExAC 0.00006; gnomAD 0.00006; TOPMed 0.00006.
gnomAD v4.1: 63 of 1,536,704 alleles (0.0041%); highest among the groups gnomAD compares: Middle Eastern, 0.089%; no homozygotes.

Submissions (2):

Ambry Genetics
Classification: Uncertain significance. Last evaluated: 2025-02-12. Review status: criteria provided, single submitter. Criteria: Ambry Variant Classification Scheme 2023. Collection method: clinical testing. Allele origin: germline.

Labcorp Genetics (formerly Invitae), Labcorp
Classification: Uncertain significance. Last evaluated: 2023-03-02. Review status: criteria provided, single submitter. Criteria: Invitae Variant Classification Sherloc (09022015). Collection method: clinical testing. Allele origin: germline.
Comment: In summary, the available evidence is currently insufficient to determine the role of this variant in disease. Therefore, it has been classified as a Variant of Uncertain Significance. Algorithms developed to predict the effect of missense changes on protein structure and function output the following: SIFT: "Not Available"; PolyPhen-2: "Benign"; Align-GVGD: "Not Available". The leucine amino acid residue is found in multiple mammalian species, which suggests that this missense change does not adversely affect protein function. This variant has not been reported in the literature in individuals affected with NLGN2-related conditions. This variant is present in population databases (rs778180842, gnomAD 0.02%). This sequence change replaces proline, which is neutral and non-polar, with leucine, which is neutral and non-polar, at codon 645 of the NLGN2 protein (p.Pro645Leu).